The following is an entry in ClinVar:

NM_206933.4(USH2A):c.11824del (p.Val3942fs)

Gene: USH2A (usherin; minus strand). Cytogenetic location: 1q41.
Variant type: Deletion.
Coding change: c.11824del on transcript NM_206933.4 (MANE Select); coding-DNA position 11824, one base deleted (G; older notation c.11824delG).
Protein change: p.Val3942fs; shifts the reading frame from valine 3942.
Molecular consequence: frameshift variant.
Genome position (GRCh38, 1-based): chr1:215,728,272, C deleted on the plus strand (G on the coding strand, the reverse complement: USH2A is on the minus strand); the first of 3 consecutive C bases (chr1:215,728,272-215,728,274); deleting any one gives the same sequence. VCF-style (leftmost placement, unchanged base first): chr1-215728271-AC-A. GRCh37 (hg19) VCF-style: chr1-215901613-AC-A.
Other names: short protein forms V3942fs.
Identifiers: ClinVar variation 2116945 (VCV002116945.5), dbSNP rs1659891000, ClinGen allele CA2580062171.

ClinVar aggregate classification (germline): Pathogenic. Review status: criteria provided, multiple submitters, no conflicts (2 of 4 stars). 2 submissions from 2 submitters: Pathogenic (2). Last evaluated 2026-05-19.

Conditions:
USH2A-related disorder. Also called: USH2A-related condition; USH2A-related disorders. Identifiers: MedGen CN239332.

Submissions (2):

Myriad Genetics, Inc.
Classification: Pathogenic for USH2A-related disorder. Last evaluated: 2026-05-19. Review status: criteria provided, single submitter. Criteria: Myriad Autosomal Dominant, Autosomal Recessive and X-Linked Classification Criteria (2023). Collection method: clinical testing. Allele origin: unknown.
Comment: NM_206933.2(USH2A):c.11824delG(V3942Sfs*16) is a frameshift variant classified as pathogenic in the context of USH2A-related disorders. V3942Sfs*16 has not been observed in cases with relevant disease. Relevant functional assessments of this variant are not available in the literature. V3942Sfs*16 has not been observed in referenced population frequency databases. In summary, NM_206933.2(USH2A):c.11824delG(V3942Sfs*16) is a frameshift variant in a gene where loss of function is a known mechanism of disease and is predicted to disrupt protein function. Please note: this variant was assessed in the context of healthy population screening.

Labcorp Genetics (formerly Invitae), Labcorp
Classification: Pathogenic. Last evaluated: 2022-05-17. Review status: criteria provided, single submitter. Criteria: Invitae Variant Classification Sherloc (09022015). Collection method: clinical testing. Allele origin: germline.
Comment: For these reasons, this variant has been classified as Pathogenic. This variant has not been reported in the literature in individuals affected with USH2A-related conditions. This variant is not present in population databases (gnomAD no frequency). This sequence change creates a premature translational stop signal (p.Val3942Serfs*16) in the USH2A gene. It is expected to result in an absent or disrupted protein product. Loss-of-function variants in USH2A are known to be pathogenic (PMID: 10729113, 10909849, 20507924, 25649381).

Literature cited by the submitters: PubMed 10729113 (cited by Labcorp Genetics (formerly Invitae), Labcorp); PubMed 10909849 (cited by Labcorp Genetics (formerly Invitae), Labcorp); PubMed 20507924 (cited by Labcorp Genetics (formerly Invitae), Labcorp); PubMed 25649381 (cited by Labcorp Genetics (formerly Invitae), Labcorp).